The following is an entry in ClinVar:

NM_001692.4(ATP6V1B1):c.1155dup (p.Ile386fs)

Gene: ATP6V1B1 (ATPase H+ transporting V1 subunit B1; plus strand). Cytogenetic location: 2p13.3.
Variant type: Duplication.
Coding change: c.1155dup on transcript NM_001692.4 (MANE Select); coding-DNA position 1155, one base duplicated (C; older notation c.1155dupC).
Protein change: p.Ile386fs; shifts the reading frame from isoleucine 386.
Molecular consequence: frameshift variant.
Genome position (GRCh38, 1-based): chr2:70,964,449, C duplicated; the last of 7 consecutive C bases (chr2:70,964,443-70,964,449); duplicating any one gives the same sequence. VCF-style (leftmost placement, unchanged base first): chr2-70964442-A-AC. GRCh37 (hg19) VCF-style: chr2-71191572-A-AC.
Other names: c.1155dupC (NM_001692.4, NM_001692.3); short protein forms I386fs.
Identifiers: ClinVar variation 520772 (VCV000520772.27), dbSNP rs781969081, ClinGen allele CA1701277.
Genomic context (GRCh38, chr2:70,964,442, plus strand): 5'-AGGGGGAGCAAAGCTTGAGTCCTGCTGTCCACCACTCCCTTTTTCTTCTCCCTCAGATCT[A>AC]CCCCCCCATCAACGTGCTCCCTTCCCTGTCGCGGCTGATGAAGTCAGCCATTGGGGAAGG-3'

ClinVar aggregate classification (germline): Pathogenic. Review status: criteria provided, multiple submitters, no conflicts (2 of 4 stars). 13 submissions from 13 submitters: Pathogenic (11). 2 of the submissions do not count toward it. Last evaluated 2026-01-14.

Conditions:
ATP6V1B1-related disorder. Also called: ATP6V1B1-related condition.
Renal tubular acidosis with progressive nerve deafness. Also called: Distal Renal Tubular Acidosis with Progressive Sensorineural Deafness; renal tubular acidosis, distal, 2, with progressive sensorineural hearing loss; RENAL TUBULAR ACIDOSIS, AUTOSOMAL RECESSIVE, WITH PROGRESSIVE NERVE DEAFNESS; RTA WITH PROGRESSIVE NERVE DEAFNESS. Identifiers: MedGen C0403554, MONDO:0009968, OMIM 267300.
Inborn genetic diseases. Identifiers: MedGen C0950123, MeSH D030342.

Submissions (13):

Natera, Inc.
Classification: Pathogenic for Renal tubular acidosis with progressive nerve deafness. Last evaluated: 2026-01-14. Review status: criteria provided, single submitter. Criteria: Natera Variant Classification Schema (03/2026). Collection method: clinical testing. Allele origin: germline.
Comment: The c.1155dupC variant in ATP6V1B1 is a frameshift variant predicted to shift the reading frame beginning at codon 386 and leads to a stop codon 56 codons downstream. This variant is expected to result in nonsense mediated decay, truncation, or a dysfunctional protein product. This variant is rare in the general population with a frequency below the threshold expected for the associated phenotype(s). This variant has been observed in one or more individuals affected with the associated recessive disease, as either homozygous or compound heterozygous with a second variant (PMID: 24252324). Given the available evidence, this variant is classified as Pathogenic.

Labcorp Genetics (formerly Invitae), Labcorp
Classification: Pathogenic. Last evaluated: 2025-12-30. Review status: criteria provided, single submitter. Criteria: Invitae Variant Classification Sherloc (09022015). Collection method: clinical testing. Allele origin: germline.
Comment: This sequence change creates a premature translational stop signal (p.Ile386Hisfs*56) in the ATP6V1B1 gene. It is expected to result in an absent or disrupted protein product. Loss-of-function variants in ATP6V1B1 are known to be pathogenic (PMID: 9916796, 18368028). The frequency data for this variant in the population databases is considered unreliable, as metrics indicate poor data quality at this position in the gnomAD database. This premature translational stop signal has been observed in individual(s) with renal tubular acidosis with sensorineural deafness (PMID: 9916796, 23923981, 25285676). It is commonly reported in individuals of Tunsian ancestry (PMID: 9916796, 23923981, 25285676). ClinVar contains an entry for this variant (Variation ID: 520772). For these reasons, this variant has been classified as Pathogenic.

Genetic Services Laboratory, University of Chicago
Classification: Pathogenic. Last evaluated: 2025-08-15. Review status: criteria provided, single submitter. Criteria: ACMG Guidelines, 2015. Collection method: clinical testing. Allele origin: germline.
Comment: The c.1155dup variant: Is a single base pair duplication. Results in an amino acid frameshift and creates a premature stop codon 55 amino acids downstream of the change, p.Ile386Hisfs*56. Is predicted to result in an abnormal transcript, which may be degraded, or may lead to the production of a truncated ATP6V1B1 protein with potentially abnormal function. Has been previously described in several individuals with ATP6V1B1-related distal renal tubular acidosis and progressive sensorineural hearing loss (PMID: 9916796, 23923981, 25285676, 35301649, 31733597, 12414817). Reported in the gnomAD v4 database with a frequency of 0.0027% (dbSNP rs781969081). ClinVar contains an entry for this variant (Variation ID: 520772). Collectively this evidence indicates that this variant is pathogenic.

Rare Kidney Stone Consortium and the Mayo Clinic Hyperoxaluria Center, Mayo Clinic
Classification: Pathogenic for Renal tubular acidosis with progressive nerve deafness. Last evaluated: 2025-05-01. Review status: criteria provided, single submitter. Criteria: ACMG Guidelines, 2015. Collection method: research. Allele origin: germline.
Comment: ACMG: PVS1, PS1, PM2

heterozygote

Blueprint Genetics
Classification: Pathogenic for ATP6V1B1-related disorders. Last evaluated: 2024-10-15. Review status: criteria provided, single submitter. Criteria: ACMG Guidelines, 2015. Collection method: clinical testing. Allele origin: germline. Affected: yes. Observed: 5 variant alleles.

Fulgent Genetics
Classification: Pathogenic for Renal tubular acidosis with progressive nerve deafness. Last evaluated: 2024-02-08. Review status: criteria provided, single submitter. Criteria: ACMG Guidelines, 2015. Collection method: clinical testing. Allele origin: germline.

3billion
Classification: Pathogenic for Renal tubular acidosis with progressive nerve deafness. Last evaluated: 2024-01-10. Review status: criteria provided, single submitter. Criteria: ACMG Guidelines, 2015. Collection method: clinical testing. Allele origin: germline. Affected: yes.
Comment: The variant is observed at an extremely low frequency in the gnomAD v2.1.1 dataset (total allele frequency: 0.003%). Predicted Consequence/Location: Frameshift: predicted to result in a loss or disruption of normal protein function through nonsense-mediated decay (NMD) or protein truncation. Multiple pathogenic variants are reported downstream of the variant. The variant has been reported at least twice as pathogenic with clinical assertions and evidence for the classification (ClinVar ID: VCV000520772 /PMID: 9916796 /3billion dataset). Therefore, this variant is classified as Pathogenic according to the recommendation of ACMG/AMP guideline.

GeneDx
Classification: Pathogenic. Last evaluated: 2023-07-25. Review status: criteria provided, single submitter. Criteria: GeneDx Variant Classification Process June 2021. Collection method: clinical testing. Allele origin: germline. Affected: yes.
Comment: Frameshift variant predicted to result in protein truncation or nonsense mediated decay in a gene for which loss-of-function is a known mechanism of disease; Considered to be a founder variant in the Tunisian population (Nagara et al., 2014); Not observed at significant frequency in large population cohorts (gnomAD); This variant is associated with the following publications: (PMID: 34805638, 30586318, 31733597, 24252324, 23923981, 31672324, 28233610, 27140593, 24975934, 9916796, 25285676, 12414817, 31589614)

PreventionGenetics, part of Exact Sciences
Classification: Pathogenic for ATP6V1B1-related condition. Last evaluated: 2023-06-05. Review status: criteria provided, single submitter. Criteria: ACMG Guidelines, 2015. Collection method: clinical testing. Allele origin: germline.
Comment: The ATP6V1B1 c.1155dupC variant is predicted to result in a frameshift and premature protein termination (p.Ile386Hisfs*56). This variant has been reported to be pathogenic for autosomal recessive renal tubular acidosis with sensorineural deafness (see for example at Cogal et al. 2021. PubMed ID: 34805638; Dahmani et al. 2020. PubMed ID: 31733597). This variant is reported in 0.010% of alleles in individuals of East Asian descent in gnomAD. Frameshift variants in ATP6V1B1 are expected to be pathogenic. This variant is interpreted as pathogenic.

Revvity Omics, Revvity
Classification: Pathogenic for Renal tubular acidosis with progressive nerve deafness. Last evaluated: 2022-06-17. Review status: criteria provided, single submitter. Criteria: ACMG Guidelines, 2015. Collection method: clinical testing. Allele origin: germline.

Ambry Genetics
Classification: Pathogenic for Inborn genetic diseases. Last evaluated: 2015-10-23. Review status: criteria provided, single submitter. Criteria: Ambry exome assertion method (8-5-2015). Collection method: clinical testing. Allele origin: germline. Affected: yes. Observed: 1 variant allele.

Gharavi Laboratory, Columbia University
Classification: Pathogenic. Last evaluated: 2018-09-16. Review status: no assertion criteria provided. Criteria: ACMG Guidelines, 2015. Collection method: research. Allele origin: germline. Affected: yes. Not counted in ClinVar's aggregate classification.

Genomic Medicine Center of Excellence, King Faisal Specialist Hospital and Research Centre
Classification: Uncertain significance for Renal tubular acidosis with progressive nerve deafness. Last evaluated: 2024-03-26. Review status: flagged submission. Criteria: ACMG Guidelines, 2015. Collection method: clinical testing. Allele origin: germline. Not counted in ClinVar's aggregate classification.
ClinVar note: Reason: Outlier claim with insufficient supporting evidence

Literature cited by the submitters: PubMed 24252324 (cited by Natera, Inc.); PubMed 9916796 (cited by 3 submitters); PubMed 18368028 (cited by Labcorp Genetics (formerly Invitae), Labcorp); PubMed 23923981 (cited by Labcorp Genetics (formerly Invitae), Labcorp and Rare Kidney Stone Consortium and the Mayo Clinic Hyperoxaluria Center, Mayo Clinic); PubMed 25285676 (cited by Labcorp Genetics (formerly Invitae), Labcorp and Rare Kidney Stone Consortium and the Mayo Clinic Hyperoxaluria Center, Mayo Clinic); PubMed 36177613 (cited by Rare Kidney Stone Consortium and the Mayo Clinic Hyperoxaluria Center, Mayo Clinic); PubMed 35301649 (cited by Rare Kidney Stone Consortium and the Mayo Clinic Hyperoxaluria Center, Mayo Clinic); PubMed 34805638 (cited by Rare Kidney Stone Consortium and the Mayo Clinic Hyperoxaluria Center, Mayo Clinic); PubMed 31733597 (cited by Rare Kidney Stone Consortium and the Mayo Clinic Hyperoxaluria Center, Mayo Clinic); PubMed 31672324 (cited by Rare Kidney Stone Consortium and the Mayo Clinic Hyperoxaluria Center, Mayo Clinic); PubMed 30586318 (cited by Rare Kidney Stone Consortium and the Mayo Clinic Hyperoxaluria Center, Mayo Clinic); PubMed 31589614 (cited by Rare Kidney Stone Consortium and the Mayo Clinic Hyperoxaluria Center, Mayo Clinic).